The following is an entry in ClinVar:

ClinVar aggregate classification (germline): Uncertain significance (1 of 4 stars; one submission).

gnomAD v4.1: 1 of 1,613,454 alleles (0.000062%); no homozygotes.

Submission:

GeneDx
Classification: Uncertain significance. Last evaluated: 2025-05-30. Review status: criteria provided, single submitter. Criteria: GeneDx Variant Classification Process June 2021. Collection method: clinical testing. Allele origin: germline. Affected: yes.
Comment: Not observed at significant frequency in large population cohorts (gnomAD); In silico analysis supports that this missense variant has a deleterious effect on protein structure/function; Has not been previously published as pathogenic or benign to our knowledge

NM_001394062.1(MACF1):c.19892C>G (p.Ser6631Cys)

Gene: MACF1 (microtubule actin crosslinking factor 1; plus strand). Cytogenetic location: 1p34.3.
Variant type: single nucleotide variant.
Coding change: c.19892C>G on transcript NM_001394062.1 (MANE Select); coding-DNA position 19892, C replaced by G.
Protein change: p.Ser6631Cys; replaces serine 6631 with cysteine.
Molecular consequence: missense variant.
Genome position (GRCh38, 1-based): chr1:39,447,822, C>G. VCF-style: chr1-39447822-C-G. GRCh37 (hg19) VCF-style: chr1-39913494-C-G.
Other names: c.7970C>G, p.Ser2657Cys (NM_001397473.1); c.13715C>G, p.Ser4572Cys (NM_012090.5); short protein forms S2657C, S4572C, S6631C.
Identifiers: ClinVar variation 4532728 (VCV004532728.1).
Genomic context (GRCh38, chr1:39,447,822, plus strand): 5'-AGTTCCTTAGCCAAAAGCAGGATGTTGTTCTGATCAAGAATTTGTTGGTGAGCGTGCAGT[C>G]TCGATGGGAGAAGGTTGTCCAGCGATCTATTGAAAGAGGGCGATCACTAGATGATGCCAG-3'
Protein context (NP_001380991.1, residues 6621-6641): LIKNLLVSVQ[Ser6631Cys]RWEKVVQRSI